The following is an entry in ClinVar:

NM_000264.5(PTCH1):c.3803C>A (p.Thr1268Asn)

Gene: PTCH1 (patched 1; minus strand). Cytogenetic location: 9q22.32.
Variant type: single nucleotide variant.
Coding change: c.3803C>A on transcript NM_000264.5 (MANE Select); coding-DNA position 3803, C replaced by A.
Protein change: p.Thr1268Asn; replaces threonine 1268 with asparagine.
Molecular consequence: missense variant. On other transcripts: non-coding transcript variant (1).
Genome position (GRCh38, 1-based): chr9:95,449,070, G>T on the plus strand (C>A on the coding strand, the complement: PTCH1 is on the minus strand). VCF-style: chr9-95449070-G-T. GRCh37 (hg19) VCF-style: chr9-98211352-G-T.
Other names: c.3605C>A, p.Thr1202Asn (NM_001083602.3); c.3800C>A, p.Thr1267Asn (NM_001083603.3); c.3350C>A, p.Thr1117Asn (NM_001083604.3, NM_001083605.3, NM_001083606.3 and 1 more transcripts); c.3647C>A, p.Thr1216Asn (NM_001354918.2); short protein forms T1117N, T1216N, T1267N, T1268N, T1202N.
Identifiers: ClinVar variation 1735087 (VCV001735087.2), dbSNP rs1554689262, ClinGen allele CA374110904.

ClinVar aggregate classification (germline): Uncertain significance (1 of 4 stars; one submission).

Conditions:
Hereditary cancer-predisposing syndrome. Also called: Neoplastic Syndromes, Hereditary; Tumor predisposition; Hereditary Cancer Syndrome; Hereditary neoplastic syndrome. Identifiers: Orphanet 140162, MedGen C0027672, MeSH D009386, MONDO:0015356.

Submission:

Ambry Genetics
Classification: Uncertain significance for Hereditary cancer-predisposing syndrome. Last evaluated: 2022-09-20. Review status: criteria provided, single submitter. Criteria: Ambry Variant Classification Scheme 2023. Collection method: clinical testing. Allele origin: germline.
Comment: The p.T1268N variant (also known as c.3803C>A), located in coding exon 22 of the PTCH1 gene, results from a C to A substitution at nucleotide position 3803. The threonine at codon 1268 is replaced by asparagine, an amino acid with similar properties. This amino acid position is conserved. In addition, this alteration is predicted to be tolerated by in silico analysis. Since supporting evidence is limited at this time, the clinical significance of this alteration remains unclear.